The following is an entry in ClinVar:

ClinVar aggregate classification (germline): Pathogenic. Review status: reviewed by expert panel (3 of 4 stars). 3 submissions from 3 submitters: Pathogenic (1). 2 of the submissions do not count toward it. Last evaluated 2025-09-07.

Conditions:
RPGR-related retinopathy. Also called: RPGR retinopathy. Identifiers: MedGen CN305589, MONDO:0100437.
RPGR-related disorder. Also called: RPGR-related condition.

Submissions (3):

ClinGen X-linked Inherited Retinal Disease Variant Curation Expert Panel, ClinGen
Classification: Pathogenic for RPGR-related retinopathy. Last evaluated: 2025-09-07. Review status: reviewed by expert panel. Criteria: ClinGen X LinkedIRD ACMG Specifications RPGR V1.0.0. Collection method: curation. Allele origin: germline. Inheritance: X-linked inheritance.
Comment: NM_001034853.2(RPGR):c.934+1G>A is a canonical splice site variant in intron 8 and is predicted to induce skipping of exon 8, which is expected to disrupt a critical functional domain in RPGR (PVS1). This variant is absent from gnomAD v4.1.0 (PM2_Supporting). This variant has been reported in at least 2 apparently unrelated probands meeting one of the PS4 requirements of a male with some functional vision impairment by age 30 years and/or decreased or absent electroretinogram responses, or a female with functional visual abnormality and documentation of a male relative affected with retinitis pigmentosa (PMIDs: 10482958, 36445968, PS4_Supporting). The variant has been reported to segregate with retinal dystrophy through at least 2 affected meioses from 1 family. (PP1; PMID: 10482958). In summary, this variant is classified as pathogenic for RPGR-related retinopathy based on the ClinGen X-linked Inherited Retinal Disease Expert Panel Specifications to the ACMG/AMP Variant Interpretation Guidelines for RPGR Version 1.0.0; PVS1, PM2_supporting, PS4_supporting, and PP1.

Blueprint Genetics
Classification: Pathogenic for RPGR-related disorders. Last evaluated: 2018-10-15. Review status: criteria provided, single submitter. Criteria: ACMG Guidelines, 2015. Collection method: clinical testing. Allele origin: germline. Affected: yes. Observed: 1 variant allele. Not counted in ClinVar's aggregate classification.

Retina International
No classification provided. Review status: no classification provided. Collection method: not provided. Allele origin: not provided. Not counted in ClinVar's aggregate classification.

NM_001034853.2(RPGR):c.934+1G>A

Gene: RPGR (retinitis pigmentosa GTPase regulator; minus strand). Cytogenetic location: Xp11.4.
Variant type: single nucleotide variant.
Coding change: c.934+1G>A on transcript NM_001034853.2 (MANE Select); the canonical splice donor site of the intron after coding-DNA position 934, G replaced by A.
Molecular consequence: splice donor variant.
Genome position (GRCh38, 1-based): chrX:38,304,634, C>T on the plus strand (G>A on the coding strand, the complement: RPGR is on the minus strand). VCF-style: chrX-38304634-C-T. GRCh37 (hg19) VCF-style: chrX-38163887-C-T.
Other names: c.931+1G>A (NM_001367249.1, NM_001367250.1, NM_001367245.1); c.934+1G>A (NM_001367251.1, NM_001367246.1, NM_001367247.1 and 1 more transcripts); c.964+1G>A (NM_001367248.1).
Identifiers: ClinVar variation 98812 (VCV000098812.4), dbSNP rs62640592, ClinGen allele CA226463.
Genomic context (GRCh38, chrX:38,304,634, plus strand): 5'-TTTATTTTGTAATAAAATATACCCAGTTCTATAAATATATAACAGAAATTCTAATCCATA[C>T]CTGTTATCAAAGCTGTGTGATTTTCTCCACAAGAAATATAACTTATTGTTTGATCCCTAA-3'